The following is an entry in ClinVar:

ClinVar aggregate classification (germline): Pathogenic (1 of 4 stars; one submission).

Conditions:
Metachromatic leukodystrophy (MLD). Also called: METACHROMATIC LEUKOENCEPHALOPATHY; SULFATIDE LIPIDOSIS; Arylsulfatase A Deficiency; Cerebral sclerosis diffuse metachromatic form; ARSA DEFICIENCY; CEREBROSIDE SULFATASE DEFICIENCY. Identifiers: Orphanet 512, MedGen C0023522, MONDO:0018868, OMIM 250100.

Submission:

Labcorp Genetics (formerly Invitae), Labcorp
Classification: Pathogenic for Metachromatic leukodystrophy. Last evaluated: 2023-04-03. Review status: criteria provided, single submitter. Criteria: Invitae Variant Classification Sherloc (09022015). Collection method: clinical testing. Allele origin: germline.
Comment: For these reasons, this variant has been classified as Pathogenic. This variant has not been reported in the literature in individuals affected with ARSA-related conditions. This variant is not present in population databases (gnomAD no frequency). This sequence change creates a premature translational stop signal (p.Val179Alafs*21) in the ARSA gene. It is expected to result in an absent or disrupted protein product. Loss-of-function variants in ARSA are known to be pathogenic (PMID: 8962139, 10477432).

Literature cited by the submitters: PubMed 8962139; PubMed 10477432.

NM_000487.6(ARSA):c.536del (p.Val179fs)

Gene: ARSA (arylsulfatase A; minus strand). Cytogenetic location: 22q13.33.
Variant type: Deletion.
Coding change: c.536del on transcript NM_000487.6 (MANE Select); coding-DNA position 536, one base deleted (T; older notation c.536delT).
Protein change: p.Val179fs; shifts the reading frame from valine 179.
Molecular consequence: frameshift variant.
Genome position (GRCh38, 1-based): chr22:50,626,982, A deleted on the plus strand (T on the coding strand, the reverse complement: ARSA is on the minus strand). VCF-style (leftmost placement, unchanged base first): chr22-50626981-GA-G. GRCh37 (hg19) VCF-style: chr22-51065409-GA-G.
Other names: c.536del, p.Val179fs (NM_001085425.3, NM_001085426.3, NM_001085427.3); c.278del, p.Val93fs (NM_001085428.3, NM_001362782.2); short protein forms V93fs, V179fs.
Identifiers: ClinVar variation 2851726 (VCV002851726.3), dbSNP rs2518332037, ClinGen allele CA2739268049.
Genomic context (GRCh38, chr22:50,626,981, plus strand): 5'-TAGTCCGGGCAGCCAGGGGGGCTGCGCCTCCACGGACAGGTTGGCCAACAGTGGGATGGG[GA>G]CCAGGCCCTGGTCACAGCCACCGTCGCAAGGAGTGGCCGGCGGGAAGCAGGTCAGGTTCT-3'